The following is an entry in ClinVar:

NM_198569.3(ADGRG6):c.509_510del (p.Ser170fs)

Gene: ADGRG6 (adhesion G protein-coupled receptor G6; plus strand). Cytogenetic location: 6q24.2.
Variant type: Deletion.
Coding change: c.509_510del on transcript NM_198569.3 (MANE Select); coding-DNA positions 509 to 510, 2 bases deleted (CT; older notation c.509_510delCT).
Protein change: p.Ser170fs; shifts the reading frame from serine 170.
Molecular consequence: frameshift variant.
Genome position (GRCh38, 1-based): chr6:142,370,233-142,370,234, CT deleted; deleting any 2 consecutive bases within chr6:142,370,232-142,370,234 gives the same sequence; the c. name uses the placement nearest the transcript's 3' end. VCF-style (leftmost placement, unchanged base first): chr6-142370231-ATC-A. GRCh37 (hg19) VCF-style: chr6-142691368-ATC-A.
Other names: c.509_510del, p.Ser170fs (NM_001032394.3, NM_001032395.3, NM_020455.6); short protein forms S170fs.
Identifiers: ClinVar variation 4850310 (VCV004850310.1).
Genomic context (GRCh38, chr6:142,370,231, plus strand): 5'-TGCCGTGTCCTTAAGGAATCAAAAGGTCATTTTACCCCAGACATCAGATGCTTACCAGGT[ATC>A]TGTTGCAAAAAGCATCTCTATTCCAGAGCTCAGTGCTTTCACACTCTGCTTTGAAGCAAC-3'

ClinVar aggregate classification (germline): Likely pathogenic (1 of 4 stars; one submission).

Conditions:
Lethal congenital contracture syndrome 9 (LCCS9). Identifiers: MedGen C4225303, MONDO:0014670, OMIM 616503.

Submission:

First Genomix Gene Laboratory, Genetic Diagnostics Department
Classification: Likely pathogenic for Lethal congenital contracture syndrome 9. Last evaluated: 2025-10-03. Review status: criteria provided, single submitter. Criteria: ACMG Guidelines, 2015. Collection method: clinical testing. Allele origin: germline. Inheritance: Autosomal recessive inheritance. Affected: no. Observed: 1 variant allele.